The following is an entry in ClinVar:

ClinVar aggregate classification (germline): Uncertain significance (1 of 4 stars; one submission).

Conditions:
Neuromuscular disorder, congenital, with dysmorphic facies. Identifiers: MedGen C5935643, MONDO:0958332, OMIM 620775.

gnomAD v4.1: 1 of 1,614,102 alleles (0.000062%); highest among the groups gnomAD compares: Admixed American, 0.0017%; no homozygotes.

Submission:

OLLIN Analises Genomicas, OLLIN
Classification: Uncertain significance for Neuromuscular disorder, congenital, with dysmorphic facies. Last evaluated: 2026-08-06. Review status: criteria provided, single submitter. Criteria: ACMG Guidelines 2015 PMID 25741868. Collection method: clinical testing. Allele origin: germline. Inheritance: Autosomal recessive inheritance.
Comment: This missense variant, located in exon 5 (of 6), has been observed in gnomAD with an allele frequency of 0.000062%, but has not been reported in ClinVar or identified in the literature. In silico analysis predicts that this variant has a tolerated effect. According to the currently available evidence, this variant has been classified as uncertain significance (PM2_P, BP4_M).

NM_015687.5(FILIP1):c.866C>T (p.Ser289Phe)

Gene: FILIP1 (filamin A interacting protein 1; minus strand). Cytogenetic location: 6q14.1.
Variant type: single nucleotide variant.
Coding change: c.866C>T on transcript NM_015687.5 (MANE Select); coding-DNA position 866, C replaced by T.
Protein change: p.Ser289Phe; replaces serine 289 with phenylalanine.
Molecular consequence: missense variant.
Genome position (GRCh38, 1-based): chr6:75,314,966, G>A on the plus strand (C>T on the coding strand, the complement: FILIP1 is on the minus strand). VCF-style: chr6-75314966-G-A. GRCh37 (hg19) VCF-style: chr6-76024682-G-A.
Other names: c.875C>T, p.Ser292Phe (NM_001289987.3); c.866C>T, p.Ser289Phe (NM_001300866.3); short protein forms S289F, S292F.
Identifiers: ClinVar variation 5003144 (VCV005003144.1).